The following is an entry in ClinVar:

NM_006059.4(LAMC3):c.1608C>G (p.Asp536Glu)

Gene: LAMC3 (laminin subunit gamma 3; plus strand). Cytogenetic location: 9q34.12.
Variant type: single nucleotide variant.
Coding change: c.1608C>G on transcript NM_006059.4 (MANE Select); coding-DNA position 1608, C replaced by G.
Protein change: p.Asp536Glu; replaces aspartic acid 536 with glutamic acid.
Molecular consequence: missense variant.
Genome position (GRCh38, 1-based): chr9:131,049,108, C>G. VCF-style: chr9-131049108-C-G. GRCh37 (hg19) VCF-style: chr9-133924495-C-G.
Other names: short protein forms D536E.
Identifiers: ClinVar variation 1414607 (VCV001414607.6), dbSNP rs892989032, ClinGen allele CA375263368.

ClinVar aggregate classification (germline): Uncertain significance (1 of 4 stars; one submission).

Submission:

Labcorp Genetics (formerly Invitae), Labcorp
Classification: Uncertain significance. Last evaluated: 2021-09-02. Review status: criteria provided, single submitter. Criteria: Invitae Variant Classification Sherloc (09022015). Collection method: clinical testing. Allele origin: germline.
Comment: In summary, the available evidence is currently insufficient to determine the role of this variant in disease. Therefore, it has been classified as a Variant of Uncertain Significance. Algorithms developed to predict the effect of missense changes on protein structure and function output the following: SIFT: "Tolerated"; PolyPhen-2: "Benign"; Align-GVGD: "Class C0". The glutamic acid amino acid residue is found in multiple mammalian species, which suggests that this missense change does not adversely affect protein function. This variant has not been reported in the literature in individuals affected with LAMC3-related conditions. This variant is not present in population databases (ExAC no frequency). This sequence change replaces aspartic acid with glutamic acid at codon 536 of the LAMC3 protein (p.Asp536Glu). The aspartic acid residue is weakly conserved and there is a small physicochemical difference between aspartic acid and glutamic acid.